The following is an entry in ClinVar:

NM_213599.3(ANO5):c.1964G>A (p.Trp655Ter)

Gene: ANO5 (anoctamin 5; plus strand). Cytogenetic location: 11p14.3.
Variant type: single nucleotide variant.
Coding change: c.1964G>A on transcript NM_213599.3 (MANE Select); coding-DNA position 1964, G replaced by A.
Protein change: p.Trp655Ter; replaces tryptophan 655 with a stop codon.
Molecular consequence: nonsense.
Genome position (GRCh38, 1-based): chr11:22,270,377, G>A. VCF-style: chr11-22270377-G-A. GRCh37 (hg19) VCF-style: chr11-22291923-G-A.
Other names: c.1961G>A, p.Trp654Ter (NM_001142649.2); c.1922G>A, p.Trp641Ter (NM_001410963.1); c.1919G>A, p.Trp640Ter (NM_001410964.1); short protein forms W655*, W640*, W641*, W654*.
Identifiers: ClinVar variation 2185090 (VCV002185090.4), dbSNP rs2494363622, ClinGen allele CA379923359.

ClinVar aggregate classification (germline): Pathogenic (1 of 4 stars; one submission).

Conditions:
Gnathodiaphyseal dysplasia (GDD). Also called: GNATHODIAPHYSEAL SCLEROSIS; OSTEOGENESIS IMPERFECTA WITH UNUSUAL SKELETAL LESIONS. Identifiers: Orphanet 53697, MedGen C1833736, MONDO:0008151, OMIM 166260.
Autosomal recessive limb-girdle muscular dystrophy type 2L (LGMDR12). Also called: Limb-girdle muscular dystrophy, type 2L; Limb-Girdle Muscular Dystrophy R12 Anoctamin-5-Related (LGMD-R12); MUSCULAR DYSTROPHY, LIMB-GIRDLE, AUTOSOMAL RECESSIVE 12. Identifiers: Orphanet 206549, MedGen C1969785, MONDO:0012652, OMIM 611307.

Submission:

Labcorp Genetics (formerly Invitae), Labcorp
Classification: Pathogenic for Autosomal recessive limb-girdle muscular dystrophy type 2L; Gnathodiaphyseal dysplasia. Last evaluated: 2022-10-14. Review status: criteria provided, single submitter. Criteria: Invitae Variant Classification Sherloc (09022015). Collection method: clinical testing. Allele origin: germline.
Comment: This variant has not been reported in the literature in individuals affected with ANO5-related conditions. For these reasons, this variant has been classified as Pathogenic. This variant is not present in population databases (gnomAD no frequency). This sequence change creates a premature translational stop signal (p.Trp655*) in the ANO5 gene. It is expected to result in an absent or disrupted protein product. Loss-of-function variants in ANO5 are known to be pathogenic (PMID: 21186264, 23606453, 25891276, 30919934).

Literature cited by the submitters: PubMed 21186264; PubMed 23606453; PubMed 25891276; PubMed 30919934.